The following is an entry in ClinVar:

ClinVar aggregate classification (germline): Benign. Review status: criteria provided, single submitter (1 of 4 stars). 3 submissions from 2 submitters: Benign (1). 2 of the submissions do not count toward it. Last evaluated 2024-09-16.

Conditions:
CDKL5 disorder. Identifiers: MedGen CN296942, MONDO:0100039.

Allele frequency attached by ClinVar (database versions not stated): gnomAD exomes 0.00669; gnomAD 0.02163 and 0.02285; TOPMed 0.02401; 1000 Genomes Project 30x 0.02164; 1000 Genomes Project 0.02040.
gnomAD v4.1: 6,297 of 672,225 alleles (0.94%); highest among the groups gnomAD compares: African/African-American, 6.1%; 93 homozygotes.

Submissions (3):

Centre for Population Genomics, CPG
Classification: Benign for CDKL5 disorder. Last evaluated: 2024-09-16. Review status: criteria provided, single submitter. Criteria: McKnight et al. (Hum Mutat. 2022). Collection method: curation. Allele origin: germline. Inheritance: X-linked inheritance.
Comment: This variant has been collected from RettBASE and curated to current modified ACMG/AMP criteria. Based on the classification scheme defined by the ClinGen Rett/Angelman-like Expert Panel for Rett/AS-like Disorders Specifications to the ACMG/AMP Variant Interpretation Guidelines VCEP 3.0, this variant is classified as benign. At least the following criteria are met: The allele frequency of this variant in at least one population in gnomAD is higher than the 0.03% threshold defined by the ClinGen Rett/Angelman-like Expert Panel for Rett/AS-like Disorders VCEP 3.0 (BA1).

RettBASE
Classification: Benign. Last evaluated: 2014-03-13. Review status: no assertion criteria provided. Collection method: curation. Allele origin: unknown. Observed: 1 variant allele. Not counted in ClinVar's aggregate classification.

RettBASE
No classification provided. Review status: flagged submission. Collection method: not provided. Allele origin: not provided. Not counted in ClinVar's aggregate classification.
ClinVar note: Reason: This record appears to be redundant with a more recent record from the same submitter.
ClinVar note: Notes: SCV000189200 appears to be redundant with SCV000222256.

Literature cited by the submitters: PubMed 19241098 (cited by RettBASE).

NM_001323289.2(CDKL5):c.2046+79G>A

Gene: CDKL5 (cyclin dependent kinase like 5; plus strand). Cytogenetic location: Xp22.13.
Variant type: single nucleotide variant.
Coding change: c.2046+79G>A on transcript NM_001323289.2 (MANE Select); 79 bases into the intron after coding-DNA position 2046, G replaced by A.
Molecular consequence: intron variant.
Genome position (GRCh38, 1-based): chrX:18,608,991, G>A. VCF-style: chrX-18608991-G-A. GRCh37 (hg19) VCF-style: chrX-18627111-G-A.
Other names: c.2046+79G>A (NM_003159.3, NM_001037343.2).
Identifiers: ClinVar variation 156076 (VCV000156076.3), dbSNP rs147819758, ClinGen allele CA199332.
Genomic context (GRCh38, chrX:18,608,991, plus strand): 5'-TGCCTGTAAACATTTGTTCAACATCATTACTGCCTAGCTTTTAAAATGTATTAATACCCA[G>A]TCTCCCACAAATAAGTTGAAGTGGCTTATAAAGTAAGTAGTTTTCCTTGTGGCATAATTC-3'